The following is an entry in ClinVar:

ClinVar aggregate classification (germline): Uncertain significance (1 of 4 stars; one submission).

Conditions:
Zellweger spectrum disorders (ZS). Also called: Zellweger Spectrum Disorder; Zellweger syndrome; Zellweger Spectrum Disorder (ZSD); Zellweger Spectrum. Identifiers: Orphanet 912, MedGen C0043459, MONDO:0019609.

Allele frequency attached by ClinVar (database versions not stated): gnomAD exomes below 0.00001.
gnomAD v4.1: 2 of 1,610,884 alleles (0.00012%); highest among the groups gnomAD compares: Admixed American, 0.0033%; no homozygotes.

Submission:

Labcorp Genetics (formerly Invitae), Labcorp
Classification: Uncertain significance for Zellweger spectrum disorders. Last evaluated: 2022-07-12. Review status: criteria provided, single submitter. Criteria: Invitae Variant Classification Sherloc (09022015). Collection method: clinical testing. Allele origin: germline.
Comment: This sequence change replaces glutamic acid, which is acidic and polar, with lysine, which is basic and polar, at codon 127 of the PEX1 protein (p.Glu127Lys). This variant is present in population databases (no rsID available, gnomAD 0.003%). This variant has not been reported in the literature in individuals affected with PEX1-related conditions. Algorithms developed to predict the effect of missense changes on protein structure and function are either unavailable or do not agree on the potential impact of this missense change (SIFT: "Tolerated"; PolyPhen-2: "Probably Damaging"; Align-GVGD: "Class C0"). In summary, the available evidence is currently insufficient to determine the role of this variant in disease. Therefore, it has been classified as a Variant of Uncertain Significance.

NM_000466.3(PEX1):c.379G>A (p.Glu127Lys)

Gene: PEX1 (peroxisomal biogenesis factor 1; minus strand). Cytogenetic location: 7q21.2.
Variant type: single nucleotide variant.
Coding change: c.379G>A on transcript NM_000466.3 (MANE Select); coding-DNA position 379, G replaced by A.
Protein change: p.Glu127Lys; replaces glutamic acid 127 with lysine.
Molecular consequence: missense variant. On other transcripts: 5 prime UTR variant (1).
Genome position (GRCh38, 1-based): chr7:92,518,234, C>T on the plus strand (G>A on the coding strand, the complement: PEX1 is on the minus strand). VCF-style: chr7-92518234-C-T. GRCh37 (hg19) VCF-style: chr7-92147548-C-T.
Other names: c.379G>A, p.Glu127Lys (NM_001282677.2); c.-246G>A (NM_001282678.2); short protein forms E127K.
Identifiers: ClinVar variation 1985426 (VCV001985426.1), dbSNP rs1253386014, ClinGen allele CA368202552.